The following is an entry in ClinVar:

NM_001172509.2(SATB2):c.244G>T (p.Ala82Ser)

Gene: SATB2 (SATB homeobox 2; minus strand). Cytogenetic location: 2q33.1.
Variant type: single nucleotide variant.
Coding change: c.244G>T on transcript NM_001172509.2 (MANE Select); coding-DNA position 244, G replaced by T.
Protein change: p.Ala82Ser; replaces alanine 82 with serine.
Molecular consequence: missense variant. On other transcripts: non-coding transcript variant (1).
Genome position (GRCh38, 1-based): chr2:199,433,440, C>A on the plus strand (G>T on the coding strand, the complement: SATB2 is on the minus strand). VCF-style: chr2-199433440-C-A. GRCh37 (hg19) VCF-style: chr2-200298163-C-A.
Other names: c.244G>T, p.Ala82Ser (NM_001172517.1, NM_015265.4); short protein forms A82S.
Identifiers: ClinVar variation 2400506 (VCV002400506.6), dbSNP rs979695165, ClinGen allele CA64291164.

ClinVar aggregate classification (germline): Uncertain significance. Review status: criteria provided, multiple submitters, no conflicts (2 of 4 stars). 3 submissions from 3 submitters: Uncertain significance (3). Last evaluated 2024-06-04.

Conditions:
SATB2-related disorder. Also called: SATB2-related condition.
Chromosome 2q32-q33 deletion syndrome (GLASS). Also called: Glass syndrome; 2q33.1 deletion syndrome. Identifiers: Orphanet 251019, MedGen C2676739, MONDO:0012864, OMIM 612313.
Inborn genetic diseases. Identifiers: MedGen C0950123, MeSH D030342.

Allele frequency attached by ClinVar (database versions not stated): TOPMed below 0.00001.

Submissions (3):

Labcorp Genetics (formerly Invitae), Labcorp
Classification: Uncertain significance for Chromosome 2q32-q33 deletion syndrome. Last evaluated: 2024-06-04. Review status: criteria provided, single submitter. Criteria: Invitae Variant Classification Sherloc (09022015). Collection method: clinical testing. Allele origin: germline.
Comment: This sequence change replaces alanine, which is neutral and non-polar, with serine, which is neutral and polar, at codon 82 of the SATB2 protein (p.Ala82Ser). This variant is not present in population databases (gnomAD no frequency). This variant has not been reported in the literature in individuals affected with SATB2-related conditions. ClinVar contains an entry for this variant (Variation ID: 2400506). Advanced modeling of protein sequence and biophysical properties (such as structural, functional, and spatial information, amino acid conservation, physicochemical variation, residue mobility, and thermodynamic stability) performed at Invitae indicates that this missense variant is not expected to disrupt SATB2 protein function with a negative predictive value of 80%. In summary, the available evidence is currently insufficient to determine the role of this variant in disease. Therefore, it has been classified as a Variant of Uncertain Significance.

PreventionGenetics, part of Exact Sciences
Classification: Uncertain significance for SATB2-related condition. Last evaluated: 2023-09-05. Review status: criteria provided, single submitter. Criteria: ACMG Guidelines, 2015. Collection method: clinical testing. Allele origin: germline.
Comment: The SATB2 c.244G>T variant is predicted to result in the amino acid substitution p.Ala82Ser. To our knowledge, this variant has not been reported in the literature or in a large population database, indicating this variant is rare. At this time, the clinical significance of this variant is uncertain due to the absence of conclusive functional and genetic evidence.

Ambry Genetics
Classification: Uncertain significance for Inborn genetic diseases. Last evaluated: 2022-12-15. Review status: criteria provided, single submitter. Criteria: Ambry Variant Classification Scheme 2023. Collection method: clinical testing. Allele origin: germline.